The following is an entry in ClinVar:

NM_004260.4(RECQL4):c.716C>T (p.Ala239Val)

Gene: RECQL4 (RecQ like helicase 4; minus strand). Cytogenetic location: 8q24.3.
Variant type: single nucleotide variant.
Coding change: c.716C>T on transcript NM_004260.4 (MANE Select); coding-DNA position 716, C replaced by T.
Protein change: p.Ala239Val; replaces alanine 239 with valine.
Molecular consequence: missense variant.
Genome position (GRCh38, 1-based): chr8:144,516,403, G>A on the plus strand (C>T on the coding strand, the complement: RECQL4 is on the minus strand). VCF-style: chr8-144516403-G-A. GRCh37 (hg19) VCF-style: chr8-145741787-G-A.
Other names: short protein forms A239V.
Identifiers: ClinVar variation 135164 (VCV000135164.50), dbSNP rs146709578, ClinGen allele CA248747.

ClinVar aggregate classification (germline): Conflicting classifications of pathogenicity. Review status: criteria provided, conflicting classifications (1 of 4 stars). 13 submissions from 13 submitters: Uncertain significance (2); Benign (1); Likely benign (6). 4 of the submissions do not count toward it. Last evaluated 2026-08-01.

Conditions:
Inborn genetic diseases. Identifiers: MedGen C0950123, MeSH D030342.
Hereditary cancer-predisposing syndrome. Also called: Neoplastic Syndromes, Hereditary; Tumor predisposition; Hereditary neoplastic syndrome; Hereditary Cancer Syndrome. Identifiers: Orphanet 140162, MedGen C0027672, MeSH D009386, MONDO:0015356.
Baller-Gerold syndrome (BGS). Also called: CRANIOSYNOSTOSIS WITH RADIAL DEFECTS. Identifiers: Orphanet 1225, MedGen C0265308, MONDO:0009039, OMIM 218600.

Allele frequency attached by ClinVar (database versions not stated): ESP Exome Variant Server 0.00130; gnomAD exomes 0.00234 and 0.00106; 1000 Genomes Project 0.00060; 1000 Genomes Project 30x 0.00078; ExAC 0.00100; gnomAD 0.00127 and 0.00129; TOPMed 0.00129.
gnomAD v4.1: 3,589 of 1,609,550 alleles (0.22%); highest among the groups gnomAD compares: Non-Finnish European, 0.28%; 10 homozygotes.

Submissions (13):

CeGaT Center for Human Genetics Tuebingen
Classification: Likely benign. Last evaluated: 2026-08-01. Review status: criteria provided, single submitter. Criteria: CeGaT Center For Human Genetics Tuebingen Variant Classification Criteria Version 2. Collection method: clinical testing. Allele origin: germline. Affected: yes. Observed: 5 variant alleles.
Comment: RECQL4: BP1, BP4, BS2

Labcorp Genetics (formerly Invitae), Labcorp
Classification: Benign for Baller-Gerold syndrome. Last evaluated: 2026-02-03. Review status: criteria provided, single submitter. Criteria: Invitae Variant Classification Sherloc (09022015). Collection method: clinical testing. Allele origin: germline.

Blueprint Genetics
Classification: Likely benign. Last evaluated: 2024-11-22. Review status: criteria provided, single submitter. Criteria: ACMG Guidelines, 2015. Collection method: clinical testing. Allele origin: germline.

Ambry Genetics
Classification: Likely benign for Inborn genetic diseases. Last evaluated: 2022-09-15. Review status: criteria provided, single submitter. Criteria: Ambry Variant Classification Scheme 2023. Collection method: clinical testing. Allele origin: germline.

Institute for Clinical Genetics, University Hospital TU Dresden, University Hospital TU Dresden
Classification: Uncertain significance. Last evaluated: 2021-11-03. Review status: criteria provided, single submitter. Criteria: ACMG Guidelines, 2015. Collection method: clinical testing. Allele origin: germline.

Genetic Services Laboratory, University of Chicago
Classification: Likely benign. Last evaluated: 2021-08-30. Review status: criteria provided, single submitter. Criteria: ACMG Guidelines, 2015. Collection method: clinical testing. Allele origin: germline. Affected: no.

GeneDx
Classification: Likely benign. Last evaluated: 2020-12-02. Review status: criteria provided, single submitter. Criteria: GeneDx Variant Classification Process June 2021. Collection method: clinical testing. Allele origin: germline. Affected: yes.
Comment: This variant is associated with the following publications: (PMID: 24728327)

Sema4
Classification: Likely benign for Hereditary cancer-predisposing syndrome. Last evaluated: 2020-09-17. Review status: criteria provided, single submitter. Criteria: Sema4 Curation Guidelines. Collection method: curation. Allele origin: germline.

Genomic Diagnostic Laboratory, Division of Genomic Diagnostics, Children's Hospital of Philadelphia
Classification: Uncertain significance. Last evaluated: 2015-06-25. Review status: criteria provided, single submitter. Criteria: DGD Variant Analysis Guidelines. Collection method: clinical testing. Allele origin: unknown.

ITMI
No classification provided. Condition: AllHighlyPenetrant. Last evaluated: 2013-09-19. Review status: no classification provided. Collection method: reference population. Allele origin: germline. Not counted in ClinVar's aggregate classification.
Comment: Please see associated publication for description of ethnicities

Clinical Genetics DNA and cytogenetics Diagnostics Lab, Erasmus MC, Erasmus Medical Center
Classification: Likely benign. Review status: no assertion criteria provided. Collection method: clinical testing. Allele origin: germline. Affected: yes. Study: VKGL Data-share Consensus. Not counted in ClinVar's aggregate classification.

Department of Pathology and Laboratory Medicine, Sinai Health System
Classification: Likely benign. Review status: no assertion criteria provided. Collection method: clinical testing. Allele origin: unknown. Affected: yes. Study: The Canadian Open Genetics Repository (COGR). Not counted in ClinVar's aggregate classification.
Comment: The RECQL4 p.Ala239Val variant was not identified in Cosmic but was identified in dbSNP (ID: rs146709578), LOVD 3.0 and ClinVar (reported benign for Baller-Gerold syndrome by Invitae and as a VUS by the Children's Hospital of Philadelphia Divison of Genomic Diagnostics). The variant was identified in control databases in 293 of 273858 chromosomes (2 homozygous) at a frequency of 0.00107 increasing the likelihood this could be a low frequency benign variant (Genome Aggregation Database Feb 27, 2017). The variant was observed in the following populations: Other in 14 of 7024 chromosomes (freq: 0.001993), European (non-Finnish) in 241 of 125570 chromosomes (freq: 0.001919), Latino in 19 of 35140 chromosomes (freq: 0.000541), African in 10 of 23374 chromosomes (freq: 0.000428) and South Asian in 9 of 30398 chromosomes (freq: 0.000296); it was not observed in the Ashkenazi Jewish, East Asian, and European (Finnish) populations. The p.Ala239 residue is not conserved in mammals and computational analyses (PolyPhen-2, SIFT, AlignGVGD, BLOSUM) do not suggest a high likelihood of impact to the protein; however, this information is not predictive enough to rule out pathogenicity. The variant occurs outside of the splicing consensus sequence and in silico or computational prediction software programs (SpliceSiteFinder, MaxEntScan, NNSPLICE, GeneSplicer) do not predict a difference in splicing. This variant was identified in a study analyzing the prevalence of germline variants in cancer-susceptibility genes in a healthy population and was reported with a frequency of 0.0044 (Bodian_2014_PMID: 24728327). In summary, based on the above information the clinical significance of this variant cannot be determined with certainty at this time although we would lean towards a more benign role for this variant. This variant is classified as likely benign.

Genome Diagnostics Laboratory, Amsterdam University Medical Center
Classification: Likely benign. Review status: no assertion criteria provided. Collection method: clinical testing. Allele origin: germline. Affected: yes. Study: VKGL Data-share Consensus. Not counted in ClinVar's aggregate classification.

Literature cited by the submitters: PubMed 24728327 (cited by ITMI).